The following is an entry in ClinVar:

NM_004174.4(SLC9A3):c.2329C>G (p.Pro777Ala)

Genes: SLC9A3 (solute carrier family 9 member A3), SLC9A3-AS1 (SLC9A3 antisense RNA 1; plus strand). Cytogenetic location: 5p15.33.
Variant type: single nucleotide variant.
Coding change: c.2329C>G on transcript NM_004174.4 (MANE Select); coding-DNA position 2329, C replaced by G.
Protein change: p.Pro777Ala; replaces proline 777 with alanine.
Molecular consequence: missense variant.
Genome position (GRCh38, 1-based): chr5:475,055, G>C on the plus strand (C>G on the coding strand, the complement: SLC9A3 is on the minus strand). VCF-style: chr5-475055-G-C. GRCh37 (hg19) VCF-style: chr5-475170-G-C.
Other names: c.2302C>G, p.Pro768Ala (NM_001284351.3); short protein forms P777A, P768A.
Identifiers: ClinVar variation 1353656 (VCV001353656.5), dbSNP rs765357168, ClinGen allele CA3175483.

ClinVar aggregate classification (germline): Uncertain significance (1 of 4 stars; one submission).

Allele frequency attached by ClinVar (database versions not stated): gnomAD exomes below 0.00001; gnomAD 0.00009 and 0.00011; TOPMed 0.00009.
gnomAD v4.1: 20 of 1,611,976 alleles (0.0012%); highest among the groups gnomAD compares: African/African-American, 0.024%; no homozygotes.

Submission:

Labcorp Genetics (formerly Invitae), Labcorp
Classification: Uncertain significance. Last evaluated: 2024-01-08. Review status: criteria provided, single submitter. Criteria: Invitae Variant Classification Sherloc (09022015). Collection method: clinical testing. Allele origin: germline.
Comment: This sequence change replaces proline, which is neutral and non-polar, with alanine, which is neutral and non-polar, at codon 777 of the SLC9A3 protein (p.Pro777Ala). This variant is present in population databases (rs765357168, gnomAD 0.03%). This variant has not been reported in the literature in individuals affected with SLC9A3-related conditions. ClinVar contains an entry for this variant (Variation ID: 1353656). An algorithm developed to predict the effect of missense changes on protein structure and function (PolyPhen-2) suggests that this variant¬†is likely to be tolerated. In summary, the available evidence is currently insufficient to determine the role of this variant in disease. Therefore, it has been classified as a Variant of Uncertain Significance.